The following is an entry in ClinVar:

NM_145868.2(ANXA11):c.149A>G (p.Asn50Ser)

Gene: ANXA11 (annexin A11; minus strand). Cytogenetic location: 10q22.3.
Variant type: single nucleotide variant.
Coding change: c.149A>G on transcript NM_145868.2 (MANE Select); coding-DNA position 149, A replaced by G.
Protein change: p.Asn50Ser; replaces asparagine 50 with serine.
Molecular consequence: missense variant.
Genome position (GRCh38, 1-based): chr10:80,170,822, T>C on the plus strand (A>G on the coding strand, the complement: ANXA11 is on the minus strand). VCF-style: chr10-80170822-T-C. GRCh37 (hg19) VCF-style: chr10-81930578-T-C.
Other names: c.149A>G, p.Asn50Ser (NM_001157.3, NM_001278407.2, NM_001278408.2 and 1 more transcripts); c.50A>G, p.Asn17Ser (NM_001278409.2); short protein forms N17S, N50S.
Identifiers: ClinVar variation 2804667 (VCV002804667.3), dbSNP rs759444739, ClinGen allele CA377368760.

ClinVar aggregate classification (germline): Uncertain significance (1 of 4 stars; one submission).

gnomAD v4.1: 4 of 1,487,910 alleles (0.00027%); highest among the groups gnomAD compares: Non-Finnish European, 0.00036%; no homozygotes.

Submission:

Labcorp Genetics (formerly Invitae), Labcorp
Classification: Uncertain significance. Last evaluated: 2023-11-14. Review status: criteria provided, single submitter. Criteria: Invitae Variant Classification Sherloc (09022015). Collection method: clinical testing. Allele origin: germline.
Comment: This sequence change replaces asparagine, which is neutral and polar, with serine, which is neutral and polar, at codon 50 of the ANXA11 protein (p.Asn50Ser). This variant is not present in population databases (gnomAD no frequency). This variant has not been reported in the literature in individuals affected with ANXA11-related conditions. Algorithms developed to predict the effect of missense changes on protein structure and function output the following: SIFT: "Not Available"; PolyPhen-2: "Not Available"; Align-GVGD: "Not Available". The serine amino acid residue is found in multiple mammalian species, which suggests that this missense change does not adversely affect protein function. In summary, the available evidence is currently insufficient to determine the role of this variant in disease. Therefore, it has been classified as a Variant of Uncertain Significance.